The following is an entry in ClinVar:

NM_001369.3(DNAH5):c.10853_10856del (p.Glu3618fs)

Gene: DNAH5 (dynein axonemal heavy chain 5; minus strand). Cytogenetic location: 5p15.2.
Variant type: Microsatellite.
Coding change: c.10853_10856del on transcript NM_001369.3 (MANE Select); coding-DNA positions 10853 to 10856, 4 bases deleted (AAAG; older notation c.10853_10856delAAAG).
Protein change: p.Glu3618fs; shifts the reading frame from glutamic acid 3618.
Molecular consequence: frameshift variant.
Genome position (GRCh38, 1-based): chr5:13,753,249-13,753,252, CTTT deleted on the plus strand (AAAG on the coding strand, the reverse complement: DNAH5 is on the minus strand); deleting any 4 consecutive bases within chr5:13,753,249-13,753,256 gives the same sequence; the c. name uses the placement nearest the transcript's 3' end. VCF-style (leftmost placement, unchanged base first): chr5-13753248-GCTTT-G. GRCh37 (hg19) VCF-style: chr5-13753357-GCTTT-G.
Other names: c.10853_10856delAAAG (NM_001369.2); short protein forms E3618fs.
Identifiers: ClinVar variation 454727 (VCV000454727.7), dbSNP rs1353723750, ClinGen allele CA557867350.

ClinVar aggregate classification (germline): Pathogenic/Likely pathogenic. Review status: criteria provided, multiple submitters, no conflicts (2 of 4 stars). 3 submissions from 3 submitters: Pathogenic (2); Likely pathogenic (1). Last evaluated 2026-02-27.

Conditions:
Primary ciliary dyskinesia. Also called: Ciliary dyskinesia. Identifiers: Orphanet 244, MedGen C0008780, MONDO:0016575, HP:0012265.
Primary ciliary dyskinesia 3. Identifiers: Orphanet 244, MedGen C1837618, MONDO:0012085, OMIM 608644.

Submissions (3):

Myriad Genetics, Inc.
Classification: Pathogenic for Primary ciliary dyskinesia 3. Last evaluated: 2026-02-27. Review status: criteria provided, single submitter. Criteria: Myriad Autosomal Dominant, Autosomal Recessive and X-Linked Classification Criteria (2023). Collection method: clinical testing. Allele origin: unknown.
Comment: NM_001369.2(DNAH5):c.10853_10856delAAAG(E3618Afs*10) is a frameshift variant classified as pathogenic in the context of primary ciliary dyskinesia, DNAH5-related. E3618Afs*10 has not been observed in cases with relevant disease. Relevant functional assessments of this variant are not available in the literature. E3618Afs*10 has not been observed in referenced population frequency databases. In summary, NM_001369.2(DNAH5):c.10853_10856delAAAG(E3618Afs*10) is a frameshift variant in a gene where loss of function is a known mechanism of disease and is predicted to disrupt protein function. Please note: this variant was assessed in the context of healthy population screening.

Natera, Inc.
Classification: Likely pathogenic for Primary ciliary dyskinesia. Last evaluated: 2025-03-27. Review status: criteria provided, single submitter. Criteria: Natera Variant Classification Schema (03/2026). Collection method: clinical testing. Allele origin: germline.
Comment: The c.10853_10856delAAAG variant in DNAH5 is a frameshift variant predicted to shift the reading frame beginning at codon 3618 and leads to a stop codon 10 codons downstream. This variant is expected to result in nonsense mediated decay, truncation, or a dysfunctional protein product. This variant is rare in the general population with a frequency below the threshold expected for the associated phenotype(s). Given the available evidence, this variant is classified as Likely Pathogenic.

Labcorp Genetics (formerly Invitae), Labcorp
Classification: Pathogenic for Primary ciliary dyskinesia. Last evaluated: 2024-07-21. Review status: criteria provided, single submitter. Criteria: Invitae Variant Classification Sherloc (09022015). Collection method: clinical testing. Allele origin: germline.
Comment: This sequence change creates a premature translational stop signal (p.Glu3618Alafs*10) in the DNAH5 gene. It is expected to result in an absent or disrupted protein product. Loss-of-function variants in DNAH5 are known to be pathogenic (PMID: 11788826, 16627867). This variant is present in population databases (no rsID available, gnomAD 0.0009%). This variant has not been reported in the literature in individuals affected with DNAH5-related conditions. ClinVar contains an entry for this variant (Variation ID: 454727). For these reasons, this variant has been classified as Pathogenic.

Literature cited by the submitters: PubMed 11788826 (cited by Labcorp Genetics (formerly Invitae), Labcorp); PubMed 16627867 (cited by Labcorp Genetics (formerly Invitae), Labcorp).